The following is an entry in ClinVar:

ClinVar aggregate classification (germline): Uncertain significance (1 of 4 stars; one submission).

Allele frequency attached by ClinVar (database versions not stated): ExAC 0.00001; gnomAD 0.00001; TOPMed 0.00003.
gnomAD v4.1: 86 of 1,614,056 alleles (0.0053%); highest among the groups gnomAD compares: Non-Finnish European, 0.0071%; no homozygotes.

Submission:

Labcorp Genetics (formerly Invitae), Labcorp
Classification: Uncertain significance. Last evaluated: 2022-07-09. Review status: criteria provided, single submitter. Criteria: Invitae Variant Classification Sherloc (09022015). Collection method: clinical testing. Allele origin: germline.
Comment: This sequence change replaces isoleucine, which is neutral and non-polar, with leucine, which is neutral and non-polar, at codon 291 of the NCKAP1L protein (p.Ile291Leu). This variant is present in population databases (rs761853641, gnomAD 0.007%). This variant has not been reported in the literature in individuals affected with NCKAP1L-related conditions. Algorithms developed to predict the effect of missense changes on protein structure and function output the following: SIFT: "Tolerated"; PolyPhen-2: "Benign"; Align-GVGD: "Class C0". The leucine amino acid residue is found in multiple mammalian species, which suggests that this missense change does not adversely affect protein function. In summary, the available evidence is currently insufficient to determine the role of this variant in disease. Therefore, it has been classified as a Variant of Uncertain Significance.

NM_005337.5(NCKAP1L):c.871A>C (p.Ile291Leu)

Gene: NCKAP1L (NCK associated protein 1 like; plus strand). Cytogenetic location: 12q13.2.
Variant type: single nucleotide variant.
Coding change: c.871A>C on transcript NM_005337.5 (MANE Select); coding-DNA position 871, A replaced by C.
Protein change: p.Ile291Leu; replaces isoleucine 291 with leucine.
Molecular consequence: missense variant.
Genome position (GRCh38, 1-based): chr12:54,512,035, A>C. VCF-style: chr12-54512035-A-C. GRCh37 (hg19) VCF-style: chr12-54905819-A-C.
Other names: c.721A>C, p.Ile241Leu (NM_001184976.2); short protein forms I241L, I291L.
Identifiers: ClinVar variation 2058010 (VCV002058010.1), dbSNP rs761853641, ClinGen allele CA6608950.